The following is an entry in ClinVar:

NM_001843.4(CNTN1):c.3047T>C (p.Leu1016Ser)

Gene: CNTN1 (contactin 1; plus strand). Cytogenetic location: 12q12.
Variant type: single nucleotide variant.
Coding change: c.3047T>C on transcript NM_001843.4 (MANE Select); coding-DNA position 3047, T replaced by C.
Protein change: p.Leu1016Ser; replaces leucine 1016 with serine.
Molecular consequence: missense variant.
Genome position (GRCh38, 1-based): chr12:41,070,025, T>C. VCF-style: chr12-41070025-T-C. GRCh37 (hg19) VCF-style: chr12-41463827-T-C.
Other names: c.3014T>C, p.Leu1005Ser (NM_175038.2); c.3047T>C (NM_001843.2); short protein forms L1005S, L1016S.
Identifiers: ClinVar variation 1432881 (VCV001432881.11), dbSNP rs766058382, ClinGen allele CA6517297.

ClinVar aggregate classification (germline): Uncertain significance. Review status: criteria provided, multiple submitters, no conflicts (2 of 4 stars). 2 submissions from 2 submitters: Uncertain significance (2). Last evaluated 2024-10-14.

Conditions:
Compton-North congenital myopathy (CMYO12). Identifiers: Orphanet 210163, MedGen C2675527, MONDO:0012929, OMIM 612540.
Inborn genetic diseases. Identifiers: MedGen C0950123, MeSH D030342.

Allele frequency attached by ClinVar (database versions not stated): gnomAD exomes below 0.00001 and 0.00001; TOPMed below 0.00001; ExAC 0.00001.
gnomAD v4.1: 4 of 1,613,976 alleles (0.00025%); highest among the groups gnomAD compares: Admixed American, 0.0017%; no homozygotes.

Submissions (2):

Labcorp Genetics (formerly Invitae), Labcorp
Classification: Uncertain significance for Compton-North congenital myopathy. Last evaluated: 2024-10-14. Review status: criteria provided, single submitter. Criteria: Invitae Variant Classification Sherloc (09022015). Collection method: clinical testing. Allele origin: germline.
Comment: This sequence change replaces leucine, which is neutral and non-polar, with serine, which is neutral and polar, at codon 1016 of the CNTN1 protein (p.Leu1016Ser). This variant is present in population databases (rs766058382, gnomAD 0.003%). This variant has not been reported in the literature in individuals affected with CNTN1-related conditions. ClinVar contains an entry for this variant (Variation ID: 1432881). Invitae Evidence Modeling of protein sequence and biophysical properties (such as structural, functional, and spatial information, amino acid conservation, physicochemical variation, residue mobility, and thermodynamic stability) indicates that this missense variant is not expected to disrupt CNTN1 protein function with a negative predictive value of 95%. In summary, the available evidence is currently insufficient to determine the role of this variant in disease. Therefore, it has been classified as a Variant of Uncertain Significance.

Ambry Genetics
Classification: Uncertain significance for Inborn genetic diseases. Last evaluated: 2023-12-16. Review status: criteria provided, single submitter. Criteria: Ambry Variant Classification Scheme 2023. Collection method: clinical testing. Allele origin: germline.